The following is an entry in ClinVar:

ClinVar aggregate classification (germline): Pathogenic (1 of 4 stars; one submission).

Conditions:
Wilson disease (WND). Also called: Wilson's disease. Identifiers: Orphanet 905, MedGen C0019202, MONDO:0010200, OMIM 277900. Disease mechanism: loss of function.

Submission:

ARUP Laboratories, Molecular Genetics and Genomics, ARUP Laboratories
Classification: Pathogenic for Wilson disease. Last evaluated: 2025-02-03. Review status: criteria provided, single submitter. Criteria: ARUP Molecular Germline Variant Investigation Process 2024. Collection method: clinical testing. Allele origin: germline.
Comment: The ATP7B c.1639del; p.Gln547ArgfsTer22 variant is reported in the literature in individuals affected with Wilson disease, in both homozygous (Sipila 2023) and compound heterozygous states (Kalinsky 1998). This variant is absent from the Genome Aggregation Database (v2.1.1), indicating it is not a common polymorphism. Additionally, several downstream truncating variants have been reported in individuals with Wilson disease and are considered pathogenic (Zhang 2022). This variant causes a frameshift by deleting a single nucleotide, so it is predicted to result in a truncated protein or mRNA subject to nonsense-mediated decay. Based on available information, this variant is considered to be pathogenic. References: Kalinsky H et al. Novel ATP7B mutations causing Wilson disease in several Israeli ethnic groups. Hum Mutat. 1998;11(2):145-51PMID: 9482578. Sipila JOT et al. Clinical spectrum and genotype-phenotype associations in Finnish patients with Wilson's disease. J Neurol Sci. 2023 May 15;448:120620. PMID: 36966606. Zhang S et al. Clinical and genetic characterization of a large cohort of patients with Wilson's disease in China. Transl Neurodegener. 2022 Feb 28;11(1):13. PMID: 35220961.

NM_000053.4(ATP7B):c.1639del (p.Gln547fs)

Gene: ATP7B (ATPase copper transporting beta; minus strand). Cytogenetic location: 13q14.3.
Variant type: Deletion.
Coding change: c.1639del on transcript NM_000053.4 (MANE Select); coding-DNA position 1639, one base deleted (C; older notation c.1639delC).
Protein change: p.Gln547fs; shifts the reading frame from glutamine 547.
Molecular consequence: frameshift variant. On other transcripts: intron variant (1).
Genome position (GRCh38, 1-based): chr13:51,968,512, G deleted on the plus strand (C on the coding strand, the reverse complement: ATP7B is on the minus strand); the first of 2 consecutive G bases (chr13:51,968,512-51,968,513); deleting either gives the same sequence. VCF-style (leftmost placement, unchanged base first): chr13-51968511-TG-T. GRCh37 (hg19) VCF-style: chr13-52542647-TG-T.
Other names: c.1639del, p.Gln547fs (NM_001005918.3, NM_001330578.2, NM_001330579.2 and 26 more transcripts); c.1306del, p.Gln436fs (NM_001243182.2); c.1606del, p.Gln536fs (NM_001406514.1, NM_001406524.1); c.1543del, p.Gln515fs (NM_001406517.1, NM_001406518.1, NM_001406530.1 and 3 more transcripts); c.1210del, p.Gln404fs (NM_001406539.1); c.1285+5423del (NM_001406548.1); short protein forms Q404fs, Q436fs, Q515fs, Q536fs, Q547fs.
Identifiers: ClinVar variation 4685605 (VCV004685605.1).